The following is an entry in ClinVar:

NM_020821.3(VPS13C):c.10558G>C (p.Gly3520Arg)

Gene: VPS13C (vacuolar protein sorting 13 homolog C; minus strand). Cytogenetic location: 15q22.2.
Variant type: single nucleotide variant.
Coding change: c.10558G>C on transcript NM_020821.3 (MANE Select); coding-DNA position 10558, G replaced by C.
Protein change: p.Gly3520Arg; replaces glycine 3520 with arginine.
Molecular consequence: missense variant.
Genome position (GRCh38, 1-based): chr15:61,873,266, C>G on the plus strand (G>C on the coding strand, the complement: VPS13C is on the minus strand). VCF-style: chr15-61873266-C-G. GRCh37 (hg19) VCF-style: chr15-62165465-C-G.
Other names: c.10558G>C, p.Gly3520Arg (NM_001018088.3); c.10429G>C, p.Gly3477Arg (NM_017684.5, NM_018080.4); short protein forms G3477R, G3520R.
Identifiers: ClinVar variation 3361384 (VCV003361384.1).

ClinVar aggregate classification (germline): Uncertain significance (1 of 4 stars; one submission).

gnomAD v4.1: 104 of 1,613,444 alleles (0.0064%); highest among the groups gnomAD compares: Non-Finnish European, 0.0086%; 1 homozygote.

Submission:

GeneDx
Classification: Uncertain significance. Last evaluated: 2023-07-27. Review status: criteria provided, single submitter. Criteria: GeneDx Variant Classification Process June 2021. Collection method: clinical testing. Allele origin: germline. Affected: yes.
Comment: In silico analysis supports that this missense variant has a deleterious effect on protein structure/function; Has not been previously published as pathogenic or benign to our knowledge